The following is an entry in ClinVar:

ClinVar aggregate classification (germline): Uncertain significance (1 of 4 stars; one submission).

Submission:

Ambry Genetics
Classification: Uncertain significance. Last evaluated: 2024-06-13. Review status: criteria provided, single submitter. Criteria: Ambry Variant Classification Scheme 2023. Collection method: clinical testing. Allele origin: germline.
Comment: The c.2483A>G (p.Q828R) alteration is located in exon 10 (coding exon 9) of the CHD9 gene. This alteration results from an A to G substitution at nucleotide position 2483, causing the glutamine (Q) at amino acid position 828 to be replaced by an arginine (R). This variant was not reported in population-based cohorts in the Genome Aggregation Database (gnomAD). This amino acid position is highly conserved in available vertebrate species. The in silico prediction for this alteration is inconclusive. Based on insufficient or conflicting evidence, the clinical significance of this alteration remains unclear.

NM_001308319.2(CHD9):c.2483A>G (p.Gln828Arg)

Gene: CHD9 (chromodomain helicase DNA binding protein 9; plus strand). Cytogenetic location: 16q12.2.
Variant type: single nucleotide variant.
Coding change: c.2483A>G on transcript NM_001308319.2 (MANE Select); coding-DNA position 2483, A replaced by G.
Protein change: p.Gln828Arg; replaces glutamine 828 with arginine.
Molecular consequence: missense variant.
Genome position (GRCh38, 1-based): chr16:53,231,756, A>G. VCF-style: chr16-53231756-A-G. GRCh37 (hg19) VCF-style: chr16-53265668-A-G.
Other names: c.2483A>G, p.Gln828Arg (NM_001352127.3, NM_001382353.1, NM_025134.7); c.1061A>G, p.Gln354Arg (NM_001352156.3, NM_001352157.3); c.962A>G, p.Gln321Arg (NM_001352158.3, NM_001382354.1, NM_001382355.1); short protein forms Q354R, Q828R, Q321R.
Identifiers: ClinVar variation 3266919 (VCV003266919.1).